The following is an entry in ClinVar:

NM_002715.4(PPP2CA):c.814C>T (p.Gln272Ter)

Gene: PPP2CA (protein phosphatase 2 catalytic subunit alpha; minus strand). Cytogenetic location: 5q31.1.
Variant type: single nucleotide variant.
Coding change: c.814C>T on transcript NM_002715.4 (MANE Select); coding-DNA position 814, C replaced by T.
Protein change: p.Gln272Ter; replaces glutamine 272 with a stop codon.
Molecular consequence: nonsense. On other transcripts: non-coding transcript variant (1).
Genome position (GRCh38, 1-based): chr5:134,199,129, G>A on the plus strand (C>T on the coding strand, the complement: PPP2CA is on the minus strand). VCF-style: chr5-134199129-G-A. GRCh37 (hg19) VCF-style: chr5-133534820-G-A.
Other names: c.619C>T, p.Gln207Ter (NM_001355019.2); short protein forms Q207*, Q272*.
Identifiers: ClinVar variation 2810281 (VCV002810281.3), dbSNP rs2481046868, ClinGen allele CA360997972.
Genomic context (GRCh38, chr5:134,199,129, plus strand): 5'-CAGGTAGAATTACTTACAAAGAGTATTTTAGAGTATCGTCAAGTTCCATGATTGCAGCTT[G>A]GTTACCACAACGATAACAATAGTTTGGAGCACTGAAAATCGTTACTACATTCCGGTCATG-3'

ClinVar aggregate classification (germline): Pathogenic (1 of 4 stars; one submission).

Submission:

Labcorp Genetics (formerly Invitae), Labcorp
Classification: Pathogenic. Last evaluated: 2024-12-02. Review status: criteria provided, single submitter. Criteria: Invitae Variant Classification Sherloc (09022015). Collection method: clinical testing. Allele origin: germline.
Comment: This sequence change creates a premature translational stop signal (p.Gln272*) in the PPP2CA gene. While this is not anticipated to result in nonsense mediated decay, it is expected to disrupt the last 38 amino acid(s) of the PPP2CA protein. This variant is not present in population databases (gnomAD no frequency). This variant has not been reported in the literature in individuals affected with PPP2CA-related conditions. ClinVar contains an entry for this variant (Variation ID: 2810281). This variant disrupts a region of the PPP2CA protein in which other variant(s) (p.Arg295* ) have been determined to be pathogenic (PMID: 30595372). This suggests that this is a clinically significant region of the protein, and that variants that disrupt it are likely to be disease-causing. For these reasons, this variant has been classified as Pathogenic.

Literature cited by the submitters: PubMed 30595372.